The following is an entry in ClinVar:

ClinVar aggregate classification (germline): Likely pathogenic (1 of 4 stars; one submission).

Conditions:
Pyridoxal phosphate-responsive seizures (PNPOD). Also called: EPILEPTIC ENCEPHALOPATHY, NEONATAL, PNPO-RELATED; SEIZURES, PYRIDOXINE-RESISTANT, PLP-SENSITIVE; Pyridoxamine 5-Prime-Phosphate Oxidase Deficiency; Pyridoxine-5'-phosphate oxidase deficiency; Pyridoxal 5'-Phosphate (PLP)-Dependent Epilepsy. Identifiers: Orphanet 79096, MedGen C1864723, MONDO:0012407, OMIM 610090. Disease mechanism: loss of function.

Submission:

Labcorp Genetics (formerly Invitae), Labcorp
Classification: Likely pathogenic for Pyridoxal phosphate-responsive seizures. Last evaluated: 2022-12-20. Review status: criteria provided, single submitter. Criteria: Invitae Variant Classification Sherloc (09022015). Collection method: clinical testing. Allele origin: germline.
Comment: This variant has not been reported in the literature in individuals affected with PNPO-related conditions. In summary, the currently available evidence indicates that the variant is pathogenic, but additional data are needed to prove that conclusively. Therefore, this variant has been classified as Likely Pathogenic. Algorithms developed to predict the effect of sequence changes on RNA splicing suggest that this variant may disrupt the consensus splice site. This variant is not present in population databases (gnomAD no frequency). This sequence change affects a donor splice site in intron 1 of the PNPO gene. It is expected to disrupt RNA splicing. Variants that disrupt the donor or acceptor splice site typically lead to a loss of protein function (PMID: 16199547), and loss-of-function variants in PNPO are known to be pathogenic (PMID: 15772097, 24645144).

Literature cited by the submitters: PubMed 16199547; PubMed 15772097; PubMed 24645144.

NM_018129.4(PNPO):c.138+1G>A

Gene: PNPO (pyridoxamine 5'-phosphate oxidase; plus strand). Cytogenetic location: 17q21.32.
Variant type: single nucleotide variant.
Coding change: c.138+1G>A on transcript NM_018129.4 (MANE Select); the canonical splice donor site of the intron after coding-DNA position 138, G replaced by A.
Molecular consequence: splice donor variant.
Genome position (GRCh38, 1-based): chr17:47,941,814, G>A. VCF-style: chr17-47941814-G-A. GRCh37 (hg19) VCF-style: chr17-46019180-G-A.
Identifiers: ClinVar variation 2822323 (VCV002822323.3), dbSNP rs2509287507, ClinGen allele CA400055211.